The following is an entry in ClinVar:

GRCh37/hg19 Yq11.21-12(chrY:14698756-59031480)x0

Genes: BPY2 (basic charge Y-linked 2; plus strand), BPY2B (basic charge Y-linked 2B; plus strand), BPY2C (basic charge Y-linked 2C; minus strand), CDY1 (chromodomain Y-linked 1; plus strand), CDY2A (chromodomain Y-linked 2A; plus strand) and 43 more. Cytogenetic location: Yq11.21-12.
Variant type: copy number loss.
Change: copy number 0 of chrY:14,698,756-59,031,480 (44.33 Mb, GRCh37 coordinates, 1-based), cytogenetic band Yq11.21-12.
Identifiers: ClinVar variation 57175 (VCV000057175.1).

ClinVar aggregate classification (germline): Pathogenic (1 of 4 stars; one submission).

Submission:

ISCA site 4
Classification: Pathogenic. Last evaluated: 2011-08-12. Review status: criteria provided, single submitter. Criteria: Kaminsky et al. (Genet Med. 2011). Collection method: clinical testing. Allele origin: unknown. Affected: yes. Observed: 2 variant alleles.
Comment: Copy number variation identified through the course of routine clinical cytogenomic testing in postnatal populations. Clinical assertions have been curated as described in Kaminsky et al. 2011.